The following is an entry in ClinVar:

NM_000540.3(RYR1):c.6458T>A (p.Met2153Lys)

Gene: RYR1 (ryanodine receptor 1; plus strand). Cytogenetic location: 19q13.2.
Variant type: single nucleotide variant.
Coding change: c.6458T>A on transcript NM_000540.3 (MANE Select); coding-DNA position 6458, T replaced by A.
Protein change: p.Met2153Lys; replaces methionine 2153 with lysine.
Molecular consequence: missense variant.
Genome position (GRCh38, 1-based): chr19:38,494,535, T>A. VCF-style: chr19-38494535-T-A. GRCh37 (hg19) VCF-style: chr19-38985175-T-A.
Other names: c.6458T>A, p.Met2153Lys (NM_001042723.2); short protein forms M2153K.
Identifiers: ClinVar variation 3072083 (VCV003072083.2), dbSNP rs759940587, ClinGen allele CA405664188.

ClinVar aggregate classification (germline): Uncertain significance. Review status: criteria provided, multiple submitters, no conflicts (2 of 4 stars). 2 submissions from 2 submitters: Uncertain significance (2). Last evaluated 2025-06-09.

Conditions:
Malignant hyperthermia, susceptibility to, 1 (MHS1). Also called: Anesthesia related hyperthermia; Malignant hyperpyrexia; Fulminating hyperpyrexia; Pharmacogenic myopathy; RYR1-Related Malignant Hyperthermia Susceptibility; Malignant hyperthermia suceptibility 1. Identifiers: Orphanet 423, MedGen C2930980, MONDO:0007783, OMIM 145600.

gnomAD v4.1: 2 of 1,614,022 alleles (0.00012%); highest among the groups gnomAD compares: Non-Finnish European, 0.00017%; no homozygotes.

Submissions (2):

Color Diagnostics, LLC DBA Color Health
Classification: Uncertain significance for Malignant hyperthermia, susceptibility to, 1. Last evaluated: 2025-06-09. Review status: criteria provided, single submitter. Criteria: ACMG Guidelines, 2015. Collection method: clinical testing. Allele origin: germline.
Comment: This missense variant replaces methionine with lysine at codon 2153 of the RYR1 protein. Computational prediction suggests that this variant may have deleterious impact on protein structure and function. To our knowledge, functional studies have not been reported for this variant. This variant has not been reported in individuals affected with RYR1-related disorders in the literature. This variant has been identified in 1/250838 chromosomes in the general population by the Genome Aggregation Database (gnomAD). The available evidence is insufficient to determine the role of this variant in disease conclusively. Therefore, this variant is classified as a Variant of Uncertain Significance.

All of Us Research Program, National Institutes of Health
Classification: Uncertain significance for Malignant hyperthermia, susceptibility to, 1. Last evaluated: 2023-06-28. Review status: criteria provided, single submitter. Criteria: ACMG Guidelines, 2015. Collection method: clinical testing. Allele origin: germline. Inheritance: Autosomal dominant inheritance. Observed: 1 variant allele, 1 heterozygote.
Comment: This study involves interpretation of variants in research participants for the purpose of population health screening. Participant phenotype was not available at the time of variant classification. Additional details can be found in publication PMID: 35346344, PMCID: PMC8962531